The following is an entry in ClinVar:

NC_000006.11:g.(?_5404755)_(5431425_?)del

Gene: FARS2 (phenylalanyl-tRNA synthetase 2, mitochondrial; plus strand). Cytogenetic location: 6p25.1.
Variant type: Deletion.
Identifiers: ClinVar variation 2425606 (VCV002425606.4).

ClinVar aggregate classification (germline): Pathogenic (1 of 4 stars; one submission).

Conditions:
Combined oxidative phosphorylation defect type 14. Also called: Combined oxidative phosphorylation deficiency 14. Identifiers: Orphanet 319519, MedGen C4755312, MONDO:0013986, OMIM 614946.

Submission:

Labcorp Genetics (formerly Invitae), Labcorp
Classification: Pathogenic for Combined oxidative phosphorylation defect type 14. Last evaluated: 2023-11-13. Review status: criteria provided, single submitter. Criteria: Invitae Variant Classification Sherloc (09022015). Collection method: clinical testing. Allele origin: germline.
Comment: This variant is a gross deletion of the genomic region encompassing exon(s) 3-4 of the FARS2 gene. This deletion is out-of-frame, and is expected to create a premature termination codon and result in an absent or disrupted protein product. Loss-of-function variants in FARS2 are known to be pathogenic (PMID: 22833457). A similar copy number variant has been observed in individual(s) with clinical features of FARS2-related conditions (PMID: 31692161). For these reasons, this variant has been classified as Pathogenic.

Literature cited by the submitters: PubMed 22833457; PubMed 31692161.